The following is an entry in ClinVar:

ClinVar aggregate classification (germline): Pathogenic (0 of 4 stars; one submission).

Conditions:
JAG1-related disorder. Also called: JAG1-related disorders; JAG1-related condition.

Submission:

PreventionGenetics, part of Exact Sciences
Classification: Pathogenic for JAG1-related condition. Last evaluated: 2024-06-25. Review status: no assertion criteria provided. Collection method: clinical testing. Allele origin: germline.
Comment: The JAG1 c.2682+1G>A variant is predicted to disrupt the GT donor site and interfere with normal splicing. This variant has been reported in a neonate with congenital heart defects (Table S2, Wang et al. 2023. PubMed ID: 35595280). This variant has not been reported in a large population database, indicating this variant is rare. Variants that disrupt the consensus splice donor site in JAG1 are expected to be pathogenic; furthermore, different variants impacting the same GT donor site (c.2682+1dupG and c.2682+2T>C) have been reported in individuals with Alagille syndrome (Table 1, Warthen et al. 2006. PubMed ID: 16575836). The c.2682+1G>A variant is interpreted as pathogenic.

NM_000214.3(JAG1):c.2682+1G>A

Gene: JAG1 (jagged canonical Notch ligand 1; minus strand). Cytogenetic location: 20p12.2.
Variant type: single nucleotide variant.
Coding change: c.2682+1G>A on transcript NM_000214.3 (MANE Select); the canonical splice donor site of the intron after coding-DNA position 2682, G replaced by A.
Molecular consequence: splice donor variant.
Genome position (GRCh38, 1-based): chr20:10,641,782, C>T on the plus strand (G>A on the coding strand, the complement: JAG1 is on the minus strand). VCF-style: chr20-10641782-C-T. GRCh37 (hg19) VCF-style: chr20-10622430-C-T.
Identifiers: ClinVar variation 3346554 (VCV003346554.1).
Genomic context (GRCh38, chr20:10,641,782, plus strand): 5'-GCAGGCATGCTCATCCCTGATTCCAGAACACAGGTGAACTGCGGCAGCCATCATGTCCTA[C>T]CTTTGAGCAGGCGATCCGTCCATTCAGGCACTGGCAGGTATTACAGTCATCATCCCATTT-3'